The following is an entry in ClinVar:

ClinVar aggregate classification (germline): Uncertain significance (1 of 4 stars; one submission).

Conditions:
Congenital myopathy 4B, autosomal recessive. Also called: Nemaline myopathy 1, autosomal dominant or recessive. Identifiers: Orphanet 171433, Orphanet 171439, Orphanet 171881, MedGen C5829889, MONDO:0012239, OMIM 609284.
Congenital myopathy with fiber type disproportion. Also called: Congenital fiber-type disproportion myopathy; Congenital fiber-type disproportion. Identifiers: Orphanet 2020, MedGen C0546264, MONDO:0009711. Inheritance: all.

Allele frequency attached by ClinVar (database versions not stated): gnomAD exomes 0.00001; 1000 Genomes Project 0.00020; TOPMed below 0.00001; ExAC 0.00002; 1000 Genomes Project 30x 0.00016.
gnomAD v4.1: 14 of 1,612,910 alleles (0.00087%); highest among the groups gnomAD compares: East Asian, 0.022%; no homozygotes.

Submission:

Labcorp Genetics (formerly Invitae), Labcorp
Classification: Uncertain significance for Congenital myopathy with fiber type disproportion; Congenital myopathy 4B, autosomal recessive. Last evaluated: 2025-02-28. Review status: criteria provided, single submitter. Criteria: Invitae Variant Classification Sherloc (09022015). Collection method: clinical testing. Allele origin: germline.
Comment: This sequence change replaces lysine, which is basic and polar, with arginine, which is basic and polar, at codon 227 of the TPM3 protein (p.Lys227Arg). This variant is present in population databases (rs201202440, gnomAD 0.01%). This variant has not been reported in the literature in individuals affected with TPM3-related conditions. ClinVar contains an entry for this variant (Variation ID: 1427119). Invitae Evidence Modeling of protein sequence and biophysical properties (such as structural, functional, and spatial information, amino acid conservation, physicochemical variation, residue mobility, and thermodynamic stability) indicates that this missense variant is not expected to disrupt TPM3 protein function with a negative predictive value of 80%. In summary, the available evidence is currently insufficient to determine the role of this variant in disease. Therefore, it has been classified as a Variant of Uncertain Significance.

NM_152263.4(TPM3):c.680A>G (p.Lys227Arg)

Gene: TPM3 (tropomyosin 3; minus strand). Cytogenetic location: 1q21.3.
Variant type: single nucleotide variant.
Coding change: c.680A>G on transcript NM_152263.4 (MANE Select); coding-DNA position 680, A replaced by G.
Protein change: p.Lys227Arg; replaces lysine 227 with arginine.
Molecular consequence: missense variant. On other transcripts: non-coding transcript variant (1), intron variant (1).
Genome position (GRCh38, 1-based): chr1:154,170,674, T>C on the plus strand (A>G on the coding strand, the complement: TPM3 is on the minus strand). VCF-style: chr1-154170674-T-C. GRCh37 (hg19) VCF-style: chr1-154143150-T-C.
Other names: c.299A>G, p.Lys100Arg (NM_001278191.2); c.569A>G, p.Lys190Arg (NM_001349679.2, NM_001364683.1, NM_153649.4 and 4 more transcripts); c.680A>G, p.Lys227Arg (NM_001364679.2, NM_001364680.2, NM_001364681.2 and 1 more transcripts); c.371A>G, p.Lys124Arg (NM_001278188.2); c.532-205A>G (NM_001278190.2); short protein forms K100R, K124R, K190R, K227R.
Identifiers: ClinVar variation 1427119 (VCV001427119.6), dbSNP rs201202440, ClinGen allele CA1125559.
Genomic context (GRCh38, chr1:154,170,674, plus strand): 5'-TTTTGGGTTCTGCCCTATAAATCCCCTCAGCTCACCTCCTTGAGTTTATCAGTAAGAATC[T>C]TGATTTCTTCCTCATATTTATCTTCTTTTTGAGAGTACTGTAAGATAAGTAGATTAAAAA-3'
Protein context (NP_689476.2, residues 217-237): QKEDKYEEEI[Lys227Arg]ILTDKLKEAE